The following is an entry in ClinVar:

NM_006397.3(RNASEH2A):c.119C>T (p.Pro40Leu)

Genes: RNASEH2A (ribonuclease H2 subunit A; plus strand), LOC117038795 (CRISPRi-FlowFISH-validated PRDX2 regulatory element 4; plus strand). Cytogenetic location: 19p13.13.
Variant type: single nucleotide variant.
Coding change: c.119C>T on transcript NM_006397.3 (MANE Select); coding-DNA position 119, C replaced by T.
Protein change: p.Pro40Leu; replaces proline 40 with leucine.
Molecular consequence: missense variant.
Genome position (GRCh38, 1-based): chr19:12,806,792, C>T. VCF-style: chr19-12806792-C-T. GRCh37 (hg19) VCF-style: chr19-12917606-C-T.
Other names: short protein forms P40L.
Identifiers: ClinVar variation 1357272 (VCV001357272.8), dbSNP rs2145824200, ClinGen allele CA404263627.

ClinVar aggregate classification (germline): Uncertain significance (1 of 4 stars; one submission).

Conditions:
Aicardi-Goutieres syndrome 4. Identifiers: Orphanet 51, MedGen C1835912, MONDO:0012472, OMIM 610333.

Submission:

Labcorp Genetics (formerly Invitae), Labcorp
Classification: Uncertain significance for Aicardi-Goutieres syndrome 4. Last evaluated: 2022-01-14. Review status: criteria provided, single submitter. Criteria: Invitae Variant Classification Sherloc (09022015). Collection method: clinical testing. Allele origin: germline.
Comment: In summary, the available evidence is currently insufficient to determine the role of this variant in disease. Therefore, it has been classified as a Variant of Uncertain Significance. Algorithms developed to predict the effect of missense changes on protein structure and function (SIFT, PolyPhen-2, Align-GVGD) all suggest that this variant is likely to be disruptive. This variant has not been reported in the literature in individuals affected with RNASEH2A-related conditions. This variant is not present in population databases (gnomAD no frequency). This sequence change replaces proline, which is neutral and non-polar, with leucine, which is neutral and non-polar, at codon 40 of the RNASEH2A protein (p.Pro40Leu).